The following is an entry in ClinVar:

NM_058216.3(RAD51C):c.-2C>T

Gene: RAD51C (RAD51 paralog C; plus strand). Cytogenetic location: 17q22.
Variant type: single nucleotide variant.
Coding change: c.-2C>T on transcript NM_058216.3 (MANE Select); 2 bases upstream of the start codon, C replaced by T.
Molecular consequence: 5 prime UTR variant. On other transcripts: non-coding transcript variant (2).
Genome position (GRCh38, 1-based): chr17:58,692,642, C>T. VCF-style: chr17-58692642-C-T. GRCh37 (hg19) VCF-style: chr17-56770003-C-T.
Other names: c.-2C>T (NM_002876.4, NM_058217.1).
Identifiers: ClinVar variation 230827 (VCV000230827.14), dbSNP rs876658796, ClinGen allele CA10580717.

ClinVar aggregate classification (germline): Uncertain significance. Review status: criteria provided, multiple submitters, no conflicts (2 of 4 stars). 5 submissions from 5 submitters: Uncertain significance (5). Last evaluated 2024-06-14.

Conditions:
Hereditary cancer-predisposing syndrome. Also called: Tumor predisposition; Hereditary neoplastic syndrome; Hereditary Cancer Syndrome; Neoplastic Syndromes, Hereditary. Identifiers: Orphanet 140162, MedGen C0027672, MeSH D009386, MONDO:0015356.
Fanconi anemia complementation group O. Also called: RAD51C-Related Fanconi Anemia. Identifiers: Orphanet 84, MedGen C3150653, MONDO:0013248, OMIM 613390.
Breast-ovarian cancer, familial, susceptibility to, 3. Also called: RAD51C-Related Breast/Ovarian Cancer. Identifiers: Orphanet 145, MedGen C3150659, MONDO:0013253, OMIM 613399.

Allele frequency attached by ClinVar (database versions not stated): gnomAD 0.00001; gnomAD exomes 0.00001; TOPMed 0.00001.
gnomAD v4.1: 20 of 1,613,932 alleles (0.0012%); highest among the groups gnomAD compares: Admixed American, 0.005%; no homozygotes.

Submissions (5):

Ambry Genetics
Classification: Uncertain significance for Hereditary cancer-predisposing syndrome. Last evaluated: 2024-06-14. Review status: criteria provided, single submitter. Criteria: Ambry Variant Classification Scheme 2023. Collection method: clinical testing. Allele origin: germline.
Comment: The c.-2C>T variant is located in the 5' untranslated region (5&rsquo; UTR) of the RAD51C gene. This variant results from a C to T substitution 2 bases upstream from the first translated codon. This nucleotide position is not well conserved in available vertebrate species. Based on the available evidence, the clinical significance of this variant remains unclear.

Color Diagnostics, LLC DBA Color Health
Classification: Uncertain significance for Hereditary cancer-predisposing syndrome. Last evaluated: 2024-01-22. Review status: criteria provided, single submitter. Criteria: ACMG Guidelines, 2015. Collection method: clinical testing. Allele origin: germline.
Comment: This variant is located in the 5' untranslated region of the RAD51C gene. To our knowledge, functional studies have not been reported for this variant. This variant has not been reported in individuals affected with hereditary cancer in the literature. This variant has not been identified in the general population by the Genome Aggregation Database (gnomAD). The available evidence is insufficient to determine the role of this variant in disease conclusively. Therefore, this variant is classified as a Variant of Uncertain Significance.

GeneDx
Classification: Uncertain significance. Last evaluated: 2023-12-23. Review status: criteria provided, single submitter. Criteria: GeneDx Variant Classification Process June 2021. Collection method: clinical testing. Allele origin: germline.
Comment: Has no predicted effect on splicing and nucleotide is not conserved across species; Not observed at significant frequency in large population cohorts (gnomAD); Identified in an individual undergoing multigene hereditary cancer panel testing (PMID: 35534704); This variant is associated with the following publications: (PMID: 35534704)

Department of Pathology and Laboratory Medicine, Sinai Health System
Classification: Uncertain significance for Breast-ovarian cancer, familial, susceptibility to, 3. Last evaluated: 2023-01-05. Review status: criteria provided, single submitter. Criteria: ACMG Guidelines, 2015. Collection method: clinical testing. Allele origin: germline. Affected: yes.

Mendelics
Classification: Uncertain significance for Fanconi anemia complementation group O. Last evaluated: 2019-05-28. Review status: criteria provided, single submitter. Criteria: Mendelics Assertion Criteria 2017. Collection method: clinical testing. Allele origin: unknown.